The following is an entry in ClinVar:

NM_000243.3(MEFV):c.124C>T (p.Arg42Trp)

Gene: MEFV (MEFV innate immunity regulator, pyrin; minus strand). Cytogenetic location: 16p13.3.
Variant type: single nucleotide variant.
Coding change: c.124C>T on transcript NM_000243.3 (MANE Select); coding-DNA position 124, C replaced by T.
Protein change: p.Arg42Trp; replaces arginine 42 with tryptophan.
Molecular consequence: missense variant.
Genome position (GRCh38, 1-based): chr16:3,256,464, G>A on the plus strand (C>T on the coding strand, the complement: MEFV is on the minus strand). VCF-style: chr16-3256464-G-A. GRCh37 (hg19) VCF-style: chr16-3306464-G-A.
Other names: c.124C>T, p.Arg42Trp (NM_001198536.2); short protein forms R42W.
Identifiers: ClinVar variation 234347 (VCV000234347.38), dbSNP rs61754767, ClinGen allele CA7860530.

ClinVar aggregate classification (germline): Conflicting classifications of pathogenicity. Review status: criteria provided, conflicting classifications (1 of 4 stars). 10 submissions from 10 submitters: Likely pathogenic (1); Uncertain significance (6); Likely benign (1). 2 of the submissions do not count toward it. Last evaluated 2026-10-07.

Conditions:
Autoinflammatory syndrome. Identifiers: Orphanet 93665, MedGen C3890737, MONDO:0019751.
Familial Mediterranean fever (FMF). Also called: POLYSEROSITIS, FAMILIAL PAROXYSMAL; POLYSEROSITIS, RECURRENT; Periodic peritonitis; Benign paroxysmal peritonitis. Identifiers: Orphanet 342, MedGen C0031069, MONDO:0018088, OMIM 249100. Disease mechanism: gain of function.
MEFV-related disorder. Also called: MEFV-related disorders; MEFV-related condition.

Allele frequency attached by ClinVar (database versions not stated): gnomAD 0.00121 and 0.00113; ESP Exome Variant Server 0.00146; 1000 Genomes Project 0.00200; TOPMed 0.00127; 1000 Genomes Project 30x 0.00203.

Submissions (10):

GeneDx
Classification: Likely pathogenic. Last evaluated: 2026-10-07. Review status: criteria provided, single submitter. Criteria: GeneDx Variant Classification Process June 2021. Collection method: clinical testing. Allele origin: germline.
Comment: Observed in the heterozygous state with and without other variants in patients with familial Mediterranean fever and observed at a frequency of 0.5% in a study of Armenian patients with FMF (PMID: 20485448, 11464238, 15720244, 38510149); In silico analysis supports that this missense variant has a deleterious effect on protein structure/function; This variant is associated with the following publications: (PMID: 14527383, 21228398, 25006247, 15641782, 14527388, 25451010, 20485448, 15951859, 15720244, 15502081, 12496512, 29178647, 15720238, 41929001, 40252570, 41335224, 19505404, 35658515, Altamimi2022[Preprint], 38510149, 30476936, 11464238)

Women's Health and Genetics/Laboratory Corporation of America, LabCorp
Classification: Uncertain significance. Last evaluated: 2026-02-17. Review status: criteria provided, single submitter. Criteria: LabCorp Variant Classification Summary - May 2015. Collection method: clinical testing. Allele origin: germline.
Comment: Variant summary: MEFV c.124C>T (p.Arg42Trp) results in a non-conservative amino acid change in the encoded protein sequence. Algorithms developed to predict the effect of missense changes on protein structure and function are either unavailable or do not agree on the potential impact of this missense change. The variant allele was found at a frequency of 0.00031 in 251476 control chromosomes, predominantly at a frequency of 0.0041 within the African or African-American subpopulation in the gnomAD database, including 1 homozygote. This frequency is not significantly higher than estimated for disease-causing variants in MEFV, allowing no conclusion about variant significance. c.124C>T has been reported in the literature in the presumed compound heterozygous state in multiple individuals affected with clinical features of Familial Mediterranean Fever (FMF) (example, Moradian_2010, Bell_2011, Touitou_2001, Omenetti_2014, Peet_2022, Bustaffa_2025, Kirnaz_2022, Balta_2020, Bronnec_2026, Sarkisian_2008), however only 1 study demonstrated trans configuration with a well established pathogenic variant (Sarkisian_2005). These data indicate that the variant may be associated with disease. At least one publication reports experimental evidence on protein function, demonstrating an increased protein stability, possibly decreased auto-inhibition, but also a decreased protein-protein interaction (with ASC) that is important for the inflammasome assembly; the authors of this study hypothesized that the overall effects of the variant might contribute to FMF by facilitating activation of the pyrin inflammasome (Vajjhala_2014). Other functional studies did not provide clear or independently reviewable results (example, Omenetti_2014, Bronnec_2026), however the Bronnec_2026 study is cited by the INFEVERS database as the source of in vitro data suggesting this variant is likely benign. The following publications have been ascertained in the context of this evaluation (PMID: 21228398, 20485448, 29178647, 23505242, 35658515, 15720244, 11464238, 25006247, 29599418, 30476936, 15951859, 41335224, 15502081, 16498449, 39228674, 12496512, 28421071, 37714974, 25760918, 17805543, 30476936, 18403822, 40252570, 31411330, 17584123, 29575132, 19505404, 14527388, 24117178, 38510149, 35358658, 31989427, 14527383, 18403822). ClinVar contains an entry for this variant (Variation ID: 234347). Based on the evidence outlined above, the variant was classified as uncertain significance.

Labcorp Genetics (formerly Invitae), Labcorp
Classification: Likely benign for Familial Mediterranean fever. Last evaluated: 2026-01-11. Review status: criteria provided, single submitter. Criteria: Invitae Variant Classification Sherloc (09022015). Collection method: clinical testing. Allele origin: germline.

Dasa
Classification: Uncertain significance. Last evaluated: 2025-01-12. Review status: criteria provided, single submitter. Criteria: DASA Assertion Criteria. Collection method: clinical testing. Allele origin: germline.
Comment: NM_000243.3(MEFV):c.124C>T (p.Arg42Trp) is a missense variant that results in the substitution of arginine with tryptophan. This variant is rare in population databases. Computational prediction algorithms are consistent with a benign effect. The currently available literature and clinical evidence are not sufficient to establish a definitive association between this variant and the reported condition. Therefore, this variant is classified as a variant of uncertain significance.

PreventionGenetics, part of Exact Sciences
Classification: Uncertain significance for MEFV-related condition. Last evaluated: 2024-12-13. Review status: criteria provided, single submitter. Criteria: ACMG Guidelines, 2015. Collection method: clinical testing. Allele origin: germline.
Comment: The MEFV c.124C>T variant is predicted to result in the amino acid substitution p.Arg42Trp. This variant has been reported in three individuals with familial Mediterranean fever (FMF), of whom one was also seen with a known pathogenic variant (p.Val726Ala) (Touitou et al. 2001. PubMed ID: 11464238; Omenetti et al. 2013. PubMed ID: 23505242; Sarkisian et al. 2005. PubMed ID: 15720244). The p.Arg42Trp variant occurs within the pyrin domain (PYD) of the MEFV protein and had a significant effect on structure with increased stability and reduced interaction of pyrin PYD with the pyrin B-box domain responsible for autoinhibition, which may contribute to FMF by facilitating activation of the pyrin inflammasome (Vajjhala et al. 2014. PubMed ID: 25006247). This variant is reported in 0.40% of alleles in individuals of African descent, including one homozygote in gnomAD. At this time, the clinical significance of this variant is uncertain due to the absence of conclusive functional and genetic evidence.

ARUP Laboratories, Molecular Genetics and Genomics, ARUP Laboratories
Classification: Uncertain significance. Last evaluated: 2020-03-03. Review status: criteria provided, single submitter. Criteria: ARUP Molecular Germline Variant Investigation Process. Collection method: clinical testing. Allele origin: germline.
Comment: The MEFV c.124C>T; p.Arg42Trp variant (rs61754767) is reported in the medical literature in one individual with familial Mediterranean fever (Touitou 2001). The variant protein is also described as having at least some altered function (Vajjhala 2014), but the variant is also described as not occurring in the same region as known pathogenic variants (Moradian 2017). The variant is reported in the ClinVar database (Variation ID: 234347). This variant is found in the population with an overall allele frequency of 0.4% (97/24,032 alleles) in the Genome Aggregation Database. The arginine at this position is moderately conserved across species and computational algorithms (PolyPhen-2, SIFT) predict this variant is deleterious. Considering available information, there is insufficient evidence to classify this variant with certainty. REFERENCES Touitou I. The spectrum of Familial Mediterranean Fever (FMF) mutations. Eur J Hum Genet. 2001 Jul;9(7):473-83. Moradian MM et al. Comprehensive analysis of mutations in the MEFV gene reveal that the location and not the substitution type determines symptom severity in FMF. Mol Genet Genomic Med. 2017 Nov;5(6):742-750. Vajjhala PR et al. Identification of multifaceted binding modes for pyrin and ASC pyrin domains gives insights into pyrin inflammasome assembly. J Biol Chem. 2014 Aug 22;289(34):23504-19.

Mendelics
Classification: Uncertain significance for Familial Mediterranean fever. Last evaluated: 2019-05-28. Review status: criteria provided, single submitter. Criteria: Mendelics Assertion Criteria 2017. Collection method: clinical testing. Allele origin: unknown.

Genome Diagnostics Laboratory, The Hospital for Sick Children
Classification: Uncertain significance for Autoinflammatory syndrome. Last evaluated: 2017-04-26. Review status: criteria provided, single submitter. Criteria: ACMG Guidelines, 2015. Collection method: clinical testing. Allele origin: germline. Affected: yes.

Clinical Genetics DNA and cytogenetics Diagnostics Lab, Erasmus MC, Erasmus Medical Center
Classification: Uncertain significance. Review status: no assertion criteria provided. Collection method: clinical testing. Allele origin: germline. Affected: yes. Study: VKGL Data-share Consensus. Not counted in ClinVar's aggregate classification.

Genome Diagnostics Laboratory, University Medical Center Utrecht
Classification: Uncertain significance. Review status: no assertion criteria provided. Collection method: clinical testing. Allele origin: germline. Affected: yes. Study: VKGL Data-share Consensus. Not counted in ClinVar's aggregate classification.

Literature cited by the submitters: PubMed 11464238 (cited by Women's Health and Genetics/Laboratory Corporation of America, LabCorp); PubMed 15502081 (cited by Women's Health and Genetics/Laboratory Corporation of America, LabCorp); PubMed 15951859 (cited by Women's Health and Genetics/Laboratory Corporation of America, LabCorp); PubMed 21228398 (cited by Women's Health and Genetics/Laboratory Corporation of America, LabCorp); PubMed 16498449 (cited by Women's Health and Genetics/Laboratory Corporation of America, LabCorp); PubMed 20485448 (cited by Women's Health and Genetics/Laboratory Corporation of America, LabCorp); PubMed 25006247 (cited by Women's Health and Genetics/Laboratory Corporation of America, LabCorp); PubMed 24117178 (cited by Women's Health and Genetics/Laboratory Corporation of America, LabCorp); PubMed 25760918 (cited by Women's Health and Genetics/Laboratory Corporation of America, LabCorp); PubMed 28421071 (cited by Women's Health and Genetics/Laboratory Corporation of America, LabCorp); PubMed 29178647 (cited by Women's Health and Genetics/Laboratory Corporation of America, LabCorp); PubMed 23505242 (cited by Women's Health and Genetics/Laboratory Corporation of America, LabCorp); PubMed 15720244 (cited by Women's Health and Genetics/Laboratory Corporation of America, LabCorp); PubMed 29599418 (cited by Women's Health and Genetics/Laboratory Corporation of America, LabCorp); PubMed 31411330 (cited by Women's Health and Genetics/Laboratory Corporation of America, LabCorp); PubMed 31989427 (cited by Women's Health and Genetics/Laboratory Corporation of America, LabCorp); PubMed 35358658 (cited by Women's Health and Genetics/Laboratory Corporation of America, LabCorp); PubMed 30476936 (cited by Women's Health and Genetics/Laboratory Corporation of America, LabCorp); PubMed 35658515 (cited by Women's Health and Genetics/Laboratory Corporation of America, LabCorp); PubMed 41335224 (cited by Women's Health and Genetics/Laboratory Corporation of America, LabCorp); PubMed 40252570 (cited by Women's Health and Genetics/Laboratory Corporation of America, LabCorp); PubMed 14527383 (cited by Women's Health and Genetics/Laboratory Corporation of America, LabCorp); PubMed 14527388 (cited by Women's Health and Genetics/Laboratory Corporation of America, LabCorp); PubMed 19505404 (cited by Women's Health and Genetics/Laboratory Corporation of America, LabCorp); PubMed 29575132 (cited by Women's Health and Genetics/Laboratory Corporation of America, LabCorp); PubMed 17584123 (cited by Women's Health and Genetics/Laboratory Corporation of America, LabCorp); PubMed 39228674 (cited by Women's Health and Genetics/Laboratory Corporation of America, LabCorp); PubMed 17805543 (cited by Women's Health and Genetics/Laboratory Corporation of America, LabCorp); PubMed 38510149 (cited by Women's Health and Genetics/Laboratory Corporation of America, LabCorp); PubMed 37714974 (cited by Women's Health and Genetics/Laboratory Corporation of America, LabCorp); PubMed 12496512 (cited by Women's Health and Genetics/Laboratory Corporation of America, LabCorp); PubMed 18403822 (cited by Women's Health and Genetics/Laboratory Corporation of America, LabCorp).